The following is an entry in ClinVar:

ClinVar aggregate classification (germline): Uncertain significance. Review status: criteria provided, multiple submitters, no conflicts (2 of 4 stars). 2 submissions from 2 submitters: Uncertain significance (2). Last evaluated 2025-08-31.

Conditions:
Inborn genetic diseases. Identifiers: MedGen C0950123, MeSH D030342.

Allele frequency attached by ClinVar (database versions not stated): gnomAD exomes 0.00004; TOPMed 0.00005; gnomAD 0.00009; ExAC 0.00016; 1000 Genomes Project 30x 0.00047; 1000 Genomes Project 0.00060.
gnomAD v4.1: 77 of 1,549,660 alleles (0.005%); highest among the groups gnomAD compares: East Asian, 0.034%; no homozygotes.

Submissions (2):

Ambry Genetics
Classification: Uncertain significance for Inborn genetic diseases. Last evaluated: 2025-08-31. Review status: criteria provided, single submitter. Criteria: Ambry Variant Classification Scheme 2023. Collection method: clinical testing. Allele origin: germline.

Labcorp Genetics (formerly Invitae), Labcorp
Classification: Uncertain significance. Last evaluated: 2023-02-15. Review status: criteria provided, single submitter. Criteria: Invitae Variant Classification Sherloc (09022015). Collection method: clinical testing. Allele origin: germline.
Comment: An algorithm developed to predict the effect of missense changes on protein structure and function (PolyPhen-2) suggests that this variant is likely to be disruptive. This sequence change replaces proline, which is neutral and non-polar, with leucine, which is neutral and non-polar, at codon 2221 of the PIEZO1 protein (p.Pro2221Leu). This variant is present in population databases (rs560748133, gnomAD 0.08%). This variant has not been reported in the literature in individuals affected with PIEZO1-related conditions. In summary, the available evidence is currently insufficient to determine the role of this variant in disease. Therefore, it has been classified as a Variant of Uncertain Significance.

NM_001142864.4(PIEZO1):c.6662C>T (p.Pro2221Leu)

Gene: PIEZO1 (piezo type mechanosensitive ion channel component 1 (Er blood group); minus strand). Cytogenetic location: 16q24.3.
Variant type: single nucleotide variant.
Coding change: c.6662C>T on transcript NM_001142864.4 (MANE Select); coding-DNA position 6662, C replaced by T.
Protein change: p.Pro2221Leu; replaces proline 2221 with leucine.
Molecular consequence: missense variant.
Genome position (GRCh38, 1-based): chr16:88,716,897, G>A on the plus strand (C>T on the coding strand, the complement: PIEZO1 is on the minus strand). VCF-style: chr16-88716897-G-A. GRCh37 (hg19) VCF-style: chr16-88783305-G-A.
Other names: c.5204C>T, p.Pro1735Leu (NM_014745.1); c.6662C>T (NM_001142864.2); short protein forms P2221L, P1735L.
Identifiers: ClinVar variation 2963191 (VCV002963191.4), dbSNP rs560748133, ClinGen allele CA8231516.